The following is an entry in ClinVar:

NM_000321.3(RB1):c.245C>A (p.Ser82Ter)

Gene: RB1 (RB transcriptional corepressor 1; plus strand). Cytogenetic location: 13q14.2.
Variant type: single nucleotide variant.
Coding change: c.245C>A on transcript NM_000321.3 (MANE Select); coding-DNA position 245, C replaced by A.
Protein change: p.Ser82Ter; replaces serine 82 with a stop codon.
Molecular consequence: nonsense.
Genome position (GRCh38, 1-based): chr13:48,307,387, C>A. VCF-style: chr13-48307387-C-A. GRCh37 (hg19) VCF-style: chr13-48881523-C-A.
Other names: short protein forms S82*.
Identifiers: ClinVar variation 837710 (VCV000837710.9), dbSNP rs755704180, ClinGen allele CA388250661.
Genomic context (GRCh38, chr13:48,307,387, plus strand): 5'-AGAAATTAAAGATACCAGATCATGTCAGAGAGAGAGCTTGGTTAACTTGGGAGAAAGTTT[C>A]ATCTGTGGATGGAGTATTGGTAAGGATTTTCTTAAAACGTTTTGAAATTTTTTTTTCTCA-3'

ClinVar aggregate classification (germline): Pathogenic (1 of 4 stars; one submission).

Conditions:
Retinoblastoma (RB1). Also called: RETINOBLASTOMA, SOMATIC. Identifiers: Orphanet 790, MedGen C0035335, MeSH D012175, MONDO:0008380, OMIM 180200, HP:0009919. Disease mechanism: loss of function. Inheritance: Both sporadic and heritable forms are tested..

Submission:

Labcorp Genetics (formerly Invitae), Labcorp
Classification: Pathogenic for Retinoblastoma. Last evaluated: 2019-05-01. Review status: criteria provided, single submitter. Criteria: Invitae Variant Classification Sherloc (09022015). Collection method: clinical testing. Allele origin: germline.
Comment: Loss-of-function variants in RB1 are known to be pathogenic (PMID: 17096365). This variant has been observed in individuals affected with bilateral retinoblastoma (PMID: 12541220, 26530098). This variant is not present in population databases (ExAC no frequency). This sequence change creates a premature translational stop signal (p.Ser82*) in the RB1 gene. It is expected to result in an absent or disrupted protein product. For these reasons, this variant has been classified as Pathogenic.

Literature cited by the submitters: PubMed 17096365; PubMed 12541220; PubMed 26530098.